The following is an entry in ClinVar:

ClinVar aggregate classification (germline): Conflicting classifications of pathogenicity. Review status: criteria provided, conflicting classifications (1 of 4 stars). 9 submissions from 8 submitters: Uncertain significance (8); Likely benign (1). Last evaluated 2026-10-26.

Conditions:
Febrile seizures, familial, 4 (FEB4). Also called: CONVULSIONS, FAMILIAL FEBRILE, 4. Identifiers: MedGen C1858493, MONDO:0011443, OMIM 604352.
Usher syndrome type 2C. Also called: Usher syndrome, type 2B; USHER SYNDROME, TYPE IIC. Identifiers: Orphanet 231178, Orphanet 886, MedGen C2931213, MONDO:0011558, OMIM 605472.
ADGRV1-related disorder. Also called: ADGRV1-related disorders; ADGRV1-related condition.
Inborn genetic diseases. Identifiers: MedGen C0950123, MeSH D030342.

Allele frequency attached by ClinVar (database versions not stated): ExAC 0.00012; TOPMed 0.00045; gnomAD 0.00034 and 0.00031; ESP Exome Variant Server 0.00017; 1000 Genomes Project 30x 0.00031; 1000 Genomes Project 0.00040; gnomAD exomes 0.00019 and 0.00023.
gnomAD v4.1: 315 of 1,556,766 alleles (0.02%); highest among the groups gnomAD compares: Admixed American, 0.099%; no homozygotes.

Submissions (9):

GeneDx
Classification: Uncertain significance. Last evaluated: 2026-10-26. Review status: criteria provided, single submitter. Criteria: GeneDx Variant Classification Process June 2021. Collection method: clinical testing. Allele origin: germline.
Comment: In silico analysis supports that this missense variant has a deleterious effect on protein structure/function; Has not been previously published as pathogenic or benign to our knowledge

PreventionGenetics, part of Exact Sciences
Classification: Uncertain significance for ADGRV1-related condition. Last evaluated: 2026-07-20. Review status: criteria provided, single submitter. Criteria: ACMG Guidelines, 2015. Collection method: clinical testing. Allele origin: germline.
Comment: The ADGRV1 c.14959G>A variant is predicted to result in the amino acid substitution p.Gly4987Arg. To our knowledge, this variant has not been reported in the literature. This variant is reported in 0.086% of alleles in individuals of Latino descent in gnomAD, which may be too frequent to be a primary cause of disease. Although we suspect that this variant may be benign, at this time, the clinical significance of this variant is uncertain due to the absence of conclusive functional and genetic evidence.

Labcorp Genetics (formerly Invitae), Labcorp
Classification: Likely benign. Last evaluated: 2026-01-20. Review status: criteria provided, single submitter. Criteria: Invitae Variant Classification Sherloc (09022015). Collection method: clinical testing. Allele origin: germline.

Ambry Genetics
Classification: Uncertain significance for Inborn genetic diseases. Last evaluated: 2025-06-18. Review status: criteria provided, single submitter. Criteria: Ambry Variant Classification Scheme 2023. Collection method: clinical testing. Allele origin: germline.

Blueprint Genetics
Classification: Uncertain significance. Last evaluated: 2024-09-10. Review status: criteria provided, single submitter. Criteria: ACMG Guidelines, 2015. Collection method: clinical testing. Allele origin: germline.

Baylor Genetics
Classification: Uncertain significance for Usher syndrome type 2C. Last evaluated: 2021-08-25. Review status: criteria provided, single submitter. Criteria: ACMG Guidelines, 2015. Collection method: clinical testing. Allele origin: unknown.

Baylor Genetics
Classification: Uncertain significance for Febrile seizures, familial, 4. Last evaluated: 2018-04-08. Review status: criteria provided, single submitter. Criteria: ACMG Guidelines, 2015. Collection method: clinical testing. Allele origin: paternal. Affected: yes.
Comment: This variant was determined to be of uncertain significance according to ACMG Guidelines, 2015 [PMID:25741868].

Illumina Laboratory Services, Illumina
Classification: Uncertain significance for Usher syndrome type 2C. Last evaluated: 2018-01-13. Review status: criteria provided, single submitter. Criteria: ICSL Variant Classification Criteria 13 December 2019. Collection method: clinical testing. Allele origin: germline.

Eurofins Ntd Llc (ga)
Classification: Uncertain significance. Last evaluated: 2017-02-02. Review status: criteria provided, single submitter. Criteria: EGL Classification Definitions 2015. Collection method: clinical testing. Allele origin: germline. Observed: 2 variant alleles, 2 heterozygotes.

NM_032119.4(ADGRV1):c.14959G>A (p.Gly4987Arg)

Gene: ADGRV1 (adhesion G protein-coupled receptor V1; plus strand). Cytogenetic location: 5q14.3.
Variant type: single nucleotide variant.
Coding change: c.14959G>A on transcript NM_032119.4 (MANE Select); coding-DNA position 14959, G replaced by A.
Protein change: p.Gly4987Arg; replaces glycine 4987 with arginine.
Molecular consequence: missense variant. On other transcripts: non-coding transcript variant (1).
Genome position (GRCh38, 1-based): chr5:90,807,724, G>A. VCF-style: chr5-90807724-G-A. GRCh37 (hg19) VCF-style: chr5-90103541-G-A.
Other names: short protein forms G4987R.
Identifiers: ClinVar variation 500131 (VCV000500131.27), dbSNP rs190988309, ClinGen allele CA3341840.
Genomic context (GRCh38, chr5:90,807,724, plus strand): 5'-CCTGGTTGGCCAGAGGCCTTTGTTCTTCACCTATCAGGAGTGCAGAGCAGTGCTCCTGGC[G>A]GAGCTCAACTCCGGTAAGACCAACCTCATTCTCACCCAAGAAATTCTCTGAGGAATAATC-3'
Protein context (NP_115495.3, residues 4977-4997): LSGVQSSAPG[Gly4987Arg]AQLRSGFIVA